The following is an entry in ClinVar:

NM_022437.3(ABCG8):c.1816A>T (p.Ile606Phe)

Gene: ABCG8 (ATP binding cassette subfamily G member 8; plus strand). Cytogenetic location: 2p21.
Variant type: single nucleotide variant.
Coding change: c.1816A>T on transcript NM_022437.3 (MANE Select); coding-DNA position 1816, A replaced by T.
Protein change: p.Ile606Phe; replaces isoleucine 606 with phenylalanine.
Molecular consequence: missense variant.
Genome position (GRCh38, 1-based): chr2:43,877,620, A>T. VCF-style: chr2-43877620-A-T. GRCh37 (hg19) VCF-style: chr2-44104759-A-T.
Other names: c.1813A>T, p.Ile605Phe (NM_001357321.2); short protein forms I605F, I606F.
Identifiers: ClinVar variation 3313700 (VCV003313700.1).
Genomic context (GRCh38, chr2:43,877,620, plus strand): 5'-GTGCCCGCGTGGATTTCCAAAGTGTCCTTCCTGCGGTGGTGTTTTGAAGGGCTGATGAAG[A>T]TTCAGTTCAGCAGAAGAACTTATAAAATGCCTCTCGGGAACCTCACCATCGCGGTCTCAG-3'
Protein context (NP_071882.1, residues 596-616): LRWCFEGLMK[Ile606Phe]QFSRRTYKMP

ClinVar aggregate classification (germline): Uncertain significance (1 of 4 stars; one submission).

Conditions:
Cardiovascular phenotype. Identifiers: MedGen CN230736.

gnomAD v4.1: 1 of 1,614,004 alleles (0.000062%); highest among the groups gnomAD compares: African/African-American, 0.0013%; no homozygotes.

Submission:

Ambry Genetics
Classification: Uncertain significance for Cardiovascular phenotype. Last evaluated: 2024-05-21. Review status: criteria provided, single submitter. Criteria: Ambry Variant Classification Scheme 2023. Collection method: clinical testing. Allele origin: germline.
Comment: The p.I606F variant (also known as c.1816A>T), located in coding exon 12 of the ABCG8 gene, results from an A to T substitution at nucleotide position 1816. The isoleucine at codon 606 is replaced by phenylalanine, an amino acid with highly similar properties. This amino acid position is conserved. In addition, this alteration is predicted to be tolerated by in silico analysis. Based on the available evidence, the clinical significance of this variant remains unclear.